The following is an entry in ClinVar:

ClinVar aggregate classification (germline): Uncertain significance (1 of 4 stars; one submission).

Allele frequency attached by ClinVar (database versions not stated): gnomAD exomes below 0.00001.
gnomAD v4.1: 3 of 1,614,152 alleles (0.00019%); highest among the groups gnomAD compares: Non-Finnish European, 0.00025%; no homozygotes.

Submission:

Labcorp Genetics (formerly Invitae), Labcorp
Classification: Uncertain significance. Last evaluated: 2022-01-07. Review status: criteria provided, single submitter. Criteria: Invitae Variant Classification Sherloc (09022015). Collection method: clinical testing. Allele origin: germline.
Comment: In summary, the available evidence is currently insufficient to determine the role of this variant in disease. Therefore, it has been classified as a Variant of Uncertain Significance. Algorithms developed to predict the effect of missense changes on protein structure and function output the following: SIFT: "Tolerated"; PolyPhen-2: "Benign"; Align-GVGD: "Class C0". The glutamic acid amino acid residue is found in multiple mammalian species, which suggests that this missense change does not adversely affect protein function. This variant has not been reported in the literature in individuals affected with GPR179-related conditions. This variant is not present in population databases (gnomAD no frequency). This sequence change replaces lysine, which is basic and polar, with glutamic acid, which is acidic and polar, at codon 1845 of the GPR179 protein (p.Lys1845Glu).

NM_001004334.4(GPR179):c.5533A>G (p.Lys1845Glu)

Gene: GPR179 (G protein-coupled receptor 179; minus strand). Cytogenetic location: 17q12.
Variant type: single nucleotide variant.
Coding change: c.5533A>G on transcript NM_001004334.4 (MANE Select); coding-DNA position 5533, A replaced by G.
Protein change: p.Lys1845Glu; replaces lysine 1845 with glutamic acid.
Molecular consequence: missense variant.
Genome position (GRCh38, 1-based): chr17:38,328,036, T>C on the plus strand (A>G on the coding strand, the complement: GPR179 is on the minus strand). VCF-style: chr17-38328036-T-C. GRCh37 (hg19) VCF-style: chr17-36483919-T-C.
Other names: short protein forms K1845E.
Identifiers: ClinVar variation 2077097 (VCV002077097.4), dbSNP rs2037307051, ClinGen allele CA398871579.